The following is an entry in ClinVar:

NM_001608.4(ACADL):c.626del (p.Ser208_Leu209insTer)

Gene: ACADL (acyl-CoA dehydrogenase long chain; minus strand). Cytogenetic location: 2q34.
Variant type: Deletion.
Coding change: c.626del on transcript NM_001608.4 (MANE Select); coding-DNA position 626, one base deleted (T; older notation c.626delT).
Protein change: p.Ser208_Leu209insTer.
Molecular consequence: nonsense.
Genome position (GRCh38, 1-based): chr2:210,205,774, A deleted on the plus strand (T on the coding strand, the reverse complement: ACADL is on the minus strand); the first of 2 consecutive A bases (chr2:210,205,774-210,205,775); deleting either gives the same sequence. VCF-style (leftmost placement, unchanged base first): chr2-210205773-TA-T. GRCh37 (hg19) VCF-style: chr2-211070497-TA-T.
Identifiers: ClinVar variation 420351 (VCV000420351.7), dbSNP rs763251535, ClinGen allele CA2084956.

ClinVar aggregate classification (germline): Uncertain significance. Review status: criteria provided, multiple submitters, no conflicts (2 of 4 stars). 3 submissions from 3 submitters: Uncertain significance (3). Last evaluated 2017-08-22.

Submissions (3):

Eurofins Ntd Llc (ga)
Classification: Uncertain significance. Last evaluated: 2017-08-22. Review status: criteria provided, single submitter. Criteria: EGL Classification Definitions 2015. Collection method: clinical testing. Allele origin: germline. Observed: 1 variant allele, 1 heterozygote.

GeneDx
Classification: Uncertain significance. Last evaluated: 2016-10-21. Review status: criteria provided, single submitter. Criteria: GeneDx Variant Classification (06012015). Collection method: clinical testing. Allele origin: germline. Affected: yes.
Comment: The c.626delT variant in the ACADL gene has not been reported previously as a pathogenic variant nor as a benign variant, to our knowledge. The c.626delT variant changes codon Leucine 209 to a premature Stop codon, denoted p.Leu209Ter. This variant is predicted to cause loss of normal protein function either through protein truncation or nonsense-mediated mRNA decay. The c.626delT variant was not observed in approximately 6,500 individuals of European and African American ancestry in the NHLBI Exome Sequencing Project, indicating it is not a common benign variant in these populations. We interpret c.626delT as a variant of uncertain significance.

Breakthrough Genomics
Classification: Uncertain significance. Review status: criteria provided, single submitter. Criteria: ACMG Guidelines, 2015. Collection method: not provided. Allele origin: germline. Inheritance: Unknown mechanism. Affected: yes.